The following is an entry in ClinVar:

NM_014140.4(SMARCAL1):c.962G>A (p.Gly321Asp)

Gene: SMARCAL1 (SNF2 related chromatin remodeling annealing helicase 1; plus strand). Cytogenetic location: 2q35.
Variant type: single nucleotide variant.
Coding change: c.962G>A on transcript NM_014140.4 (MANE Select); coding-DNA position 962, G replaced by A.
Protein change: p.Gly321Asp; replaces glycine 321 with aspartic acid.
Molecular consequence: missense variant.
Genome position (GRCh38, 1-based): chr2:216,420,398, G>A. VCF-style: chr2-216420398-G-A. GRCh37 (hg19) VCF-style: chr2-217285121-G-A.
Other names: c.962G>A, p.Gly321Asp (NM_001127207.2); short protein forms G321D.
Identifiers: ClinVar variation 197797 (VCV000197797.21), dbSNP rs148752234, ClinGen allele CA246129.

ClinVar aggregate classification (germline): Conflicting classifications of pathogenicity. Review status: criteria provided, conflicting classifications (1 of 4 stars). 5 submissions from 5 submitters: Uncertain significance (2); Likely benign (1). 2 of the submissions do not count toward it. Last evaluated 2026-01-17.

Conditions:
SMARCAL1-related disorder. Also called: SMARCAL1-related condition.
Inborn genetic diseases. Identifiers: MedGen C0950123, MeSH D030342.
Schimke immuno-osseous dysplasia (SIOD). Also called: Schimke Immunoosseous Dysplasia. Identifiers: Orphanet 1830, MedGen C0877024, MONDO:0009458, OMIM 242900.

Allele frequency attached by ClinVar (database versions not stated): gnomAD exomes 0.00003 and 0.00009; ExAC 0.00007; 1000 Genomes Project 30x 0.00031; 1000 Genomes Project 0.00040; TOPMed 0.00041; gnomAD 0.00045 and 0.00047; ESP Exome Variant Server 0.00046.
gnomAD v4.1: 121 of 1,614,142 alleles (0.0075%); highest among the groups gnomAD compares: African/African-American, 0.14%; 1 homozygote.

Submissions (5):

Labcorp Genetics (formerly Invitae), Labcorp
Classification: Likely benign for Schimke immuno-osseous dysplasia. Last evaluated: 2026-01-17. Review status: criteria provided, single submitter. Criteria: Invitae Variant Classification Sherloc (09022015). Collection method: clinical testing. Allele origin: germline.

Ambry Genetics
Classification: Uncertain significance for Inborn genetic diseases. Last evaluated: 2023-12-16. Review status: criteria provided, single submitter. Criteria: Ambry Variant Classification Scheme 2023. Collection method: clinical testing. Allele origin: germline.

Eurofins Ntd Llc (ga)
Classification: Uncertain significance. Last evaluated: 2015-01-27. Review status: criteria provided, single submitter. Criteria: EGL Classification Definitions 2015. Collection method: clinical testing. Allele origin: germline. Observed: 1 variant allele, 1 heterozygote.

PreventionGenetics, part of Exact Sciences
Classification: Likely benign for SMARCAL1-related condition. Last evaluated: 2022-03-02. Review status: no assertion criteria provided. Collection method: clinical testing. Allele origin: germline. Not counted in ClinVar's aggregate classification.
Comment: This variant is classified as likely benign based on ACMG/AMP sequence variant interpretation guidelines (Richards et al. 2015 PMID: 25741868, with internal and published modifications).

Natera, Inc.
Classification: Benign for Schimke immuno-osseous dysplasia. Last evaluated: 2019-11-11. Review status: no assertion criteria provided. Collection method: clinical testing. Allele origin: germline. Not counted in ClinVar's aggregate classification.